The following is an entry in ClinVar:

NM_138370.3(PKDCC):c.899G>A (p.Arg300His)

Gene: PKDCC (protein kinase domain containing, cytoplasmic; plus strand). Cytogenetic location: 2p21.
Variant type: single nucleotide variant.
Coding change: c.899G>A on transcript NM_138370.3 (MANE Select); coding-DNA position 899, G replaced by A.
Protein change: p.Arg300His; replaces arginine 300 with histidine.
Molecular consequence: missense variant.
Genome position (GRCh38, 1-based): chr2:42,054,172, G>A. VCF-style: chr2-42054172-G-A. GRCh37 (hg19) VCF-style: chr2-42281312-G-A.
Other names: short protein forms R300H.
Identifiers: ClinVar variation 1642120 (VCV001642120.33), dbSNP rs34372645, ClinGen allele CA1628056.

ClinVar aggregate classification (germline): Benign. Review status: criteria provided, multiple submitters, no conflicts (2 of 4 stars). 3 submissions from 3 submitters: Benign (3). Last evaluated 2026-08-01.

Allele frequency attached by ClinVar (database versions not stated): 1000 Genomes Project 30x 0.00312; 1000 Genomes Project 0.00339; gnomAD 0.00895 and 0.00975; ESP Exome Variant Server 0.01054.
gnomAD v4.1: 19,169 of 1,611,940 alleles (1.2%); highest among the groups gnomAD compares: Non-Finnish European, 1.4%; 158 homozygotes.

Submissions (3):

CeGaT Center for Human Genetics Tuebingen
Classification: Benign. Last evaluated: 2026-08-01. Review status: criteria provided, single submitter. Criteria: CeGaT Center For Human Genetics Tuebingen Variant Classification Criteria Version 2. Collection method: clinical testing. Allele origin: germline. Affected: yes. Observed: 2 variant alleles.
Comment: PKDCC: BS1, BS2

Labcorp Genetics (formerly Invitae), Labcorp
Classification: Benign. Last evaluated: 2026-02-01. Review status: criteria provided, single submitter. Criteria: Invitae Variant Classification Sherloc (09022015). Collection method: clinical testing. Allele origin: germline.

Breakthrough Genomics
Classification: Benign. Review status: criteria provided, single submitter. Criteria: ACMG Guidelines, 2015. Collection method: not provided. Allele origin: germline. Inheritance: Autosomal recessive inheritance. Affected: yes.